The following is an entry in ClinVar:

ClinVar aggregate classification (germline): Uncertain significance (1 of 4 stars; one submission).

Conditions:
Hypophosphataemia or rickets.

gnomAD v4.1: 2 of 1,070,630 alleles (0.00019%); highest among the groups gnomAD compares: Non-Finnish European, 0.00026%; no homozygotes.

Submission:

Cambridge Genomics Laboratory, East Genomic Laboratory Hub, NHS Genomic Medicine Service
Classification: Uncertain significance for Hypophosphataemia or rickets. Last evaluated: 2026-03-05. Review status: criteria provided, single submitter. Criteria: ACGS Best Practice Guidelines for Variant Classification in Rare Disease 2020. Collection method: clinical testing. Allele origin: germline. Affected: yes.
Comment: PM2_Supporting,PP3

NM_000444.6(PHEX):c.1483-16G>A

Gene: PHEX (phosphate regulating endopeptidase X-linked; plus strand). Cytogenetic location: Xp22.11.
Variant type: single nucleotide variant.
Coding change: c.1483-16G>A on transcript NM_000444.6 (MANE Select); 16 bases into the intron before coding-DNA position 1483, G replaced by A.
Molecular consequence: intron variant.
Genome position (GRCh38, 1-based): chrX:22,178,257, G>A. VCF-style: chrX-22178257-G-A. GRCh37 (hg19) VCF-style: chrX-22196374-G-A.
Other names: c.1483-16G>A (NM_001282754.2).
Identifiers: ClinVar variation 4813629 (VCV004813629.1).
Genomic context (GRCh38, chrX:22,178,257, plus strand): 5'-CCTATGCTGAAGTATTTTTTTAGAGCCATCTTTTATCTTTACTTAGAACAATGATGTTGT[G>A]GTTTGTTTTATTCAGATCAAGTTTTCAGAAGCCGACTACTTTGGCAACGTCCTACAAACT-3'